The following is an entry in ClinVar:

NM_025144.4(ALPK1):c.692A>G (p.Asp231Gly)

Gene: ALPK1 (alpha kinase 1; plus strand). Cytogenetic location: 4q25.
Variant type: single nucleotide variant.
Coding change: c.692A>G on transcript NM_025144.4 (MANE Select); coding-DNA position 692, A replaced by G.
Protein change: p.Asp231Gly; replaces aspartic acid 231 with glycine.
Molecular consequence: missense variant.
Genome position (GRCh38, 1-based): chr4:112,426,536, A>G. VCF-style: chr4-112426536-A-G. GRCh37 (hg19) VCF-style: chr4-113347692-A-G.
Other names: c.692A>G (NM_001102406.1); c.692A>G, p.Asp231Gly (NM_001102406.2); c.458A>G, p.Asp153Gly (NM_001253884.2); short protein forms D153G, D231G.
Identifiers: ClinVar variation 2076280 (VCV002076280.10), dbSNP rs373380960, ClinGen allele CA3046519.

ClinVar aggregate classification (germline): Conflicting classifications of pathogenicity. Review status: criteria provided, conflicting classifications (1 of 4 stars). 4 submissions from 4 submitters: Uncertain significance (1); Likely benign (2). 1 of the submissions does not count toward it. Last evaluated 2026-08-18.

Conditions:
ALPK1-related disorder. Also called: ALPK1-related condition.
Inborn genetic diseases. Identifiers: MedGen C0950123, MeSH D030342.

Allele frequency attached by ClinVar (database versions not stated): ESP Exome Variant Server 0.00023; gnomAD exomes 0.00006; ExAC 0.00009; gnomAD 0.00054; TOPMed 0.00062.
gnomAD v4.1: 169 of 1,573,988 alleles (0.011%); highest among the groups gnomAD compares: African/African-American, 0.17%; no homozygotes.

Submissions (4):

Ambry Genetics
Classification: Uncertain significance for Inborn genetic diseases. Last evaluated: 2026-08-18. Review status: criteria provided, single submitter. Criteria: Ambry Variant Classification Scheme 2023. Collection method: clinical testing. Allele origin: germline.

Women's Health and Genetics/Laboratory Corporation of America, LabCorp
Classification: Likely benign. Last evaluated: 2026-02-16. Review status: criteria provided, single submitter. Criteria: LabCorp Variant Classification Summary - May 2015. Collection method: clinical testing. Allele origin: germline.

Labcorp Genetics (formerly Invitae), Labcorp
Classification: Likely benign. Last evaluated: 2025-12-21. Review status: criteria provided, single submitter. Criteria: Invitae Variant Classification Sherloc (09022015). Collection method: clinical testing. Allele origin: germline.

PreventionGenetics, part of Exact Sciences
Classification: Likely benign for ALPK1-related condition. Last evaluated: 2022-12-29. Review status: no assertion criteria provided. Collection method: clinical testing. Allele origin: germline. Not counted in ClinVar's aggregate classification.
Comment: This variant is classified as likely benign based on ACMG/AMP sequence variant interpretation guidelines (Richards et al. 2015 PMID: 25741868, with internal and published modifications).